The following is an entry in ClinVar:

NM_017534.6(MYH2):c.5034C>T (p.Ala1678=)

Genes: MYH2 (myosin heavy chain 2; minus strand), MYHAS (myosin heavy chain gene cluster antisense RNA; plus strand), LOC126862500 (BRD4-independent group 4 enhancer GRCh37_chr17:10427829-10429028; plus strand). Cytogenetic location: 17p13.1.
Variant type: single nucleotide variant.
Coding change: c.5034C>T on transcript NM_017534.6 (MANE Select); coding-DNA position 5034, C replaced by T.
Protein change: p.Ala1678=; no amino-acid change (alanine 1678 retained).
Molecular consequence: synonymous variant.
Genome position (GRCh38, 1-based): chr17:10,524,607, G>A on the plus strand (C>T on the coding strand, the complement: MYH2 is on the minus strand). VCF-style: chr17-10524607-G-A. GRCh37 (hg19) VCF-style: chr17-10427924-G-A.
Other names: p.Ala1678=; c.5034C>T, p.Ala1678= (NM_001100112.2).
Identifiers: ClinVar variation 260826 (VCV000260826.22), dbSNP rs1042236, ClinGen allele CA8390506.
Genomic context (GRCh38, chr17:10,524,607, plus strand): 5'-CAGAGTGGCCCGCAGCTCCTCGATCTCAGCCTGCAGCAGGTTGGCTCTGCGCTCCACCAT[G>A]GCCAGCTGTTCCTTCAGGTCCTCCTGGCTCCGGAGAGCATCATCCAGGTGGATCTGGGTA-3'
Protein context (NP_060004.3, residues 1668-1688): RSQEDLKEQL[Ala1678=]MVERRANLLQ

ClinVar aggregate classification (germline): Benign. Review status: criteria provided, multiple submitters, no conflicts (2 of 4 stars). 9 submissions from 9 submitters: Benign (7). 2 of the submissions do not count toward it. Last evaluated 2026-02-03.

Conditions:
Myopathy, proximal, and ophthalmoplegia (CMYO6). Also called: MYOPATHY WITH CONGENITAL JOINT CONTRACTURES, OPHTHALMOPLEGIA, AND RIMMED VACUOLES; CONGENITAL MYOPATHY 6 WITH OPHTHALMOPLEGIA; INCLUSION BODY MYOPATHY 3, AUTOSOMAL DOMINANT. Identifiers: Orphanet 363677, Orphanet 79091, MedGen C1854106, MONDO:0011577, OMIM 605637.

Allele frequency attached by ClinVar (database versions not stated): 1000 Genomes Project 0.31889; gnomAD exomes 0.18563 and 0.26631; TOPMed 0.19510; ExAC 0.25605; 1000 Genomes Project 30x 0.31387; ESP Exome Variant Server 0.14224; gnomAD 0.17365 and 0.18725.
gnomAD v4.1: 300,692 of 1,613,808 alleles (19%); highest among the groups gnomAD compares: East Asian, 74%; 39,588 homozygotes.

Submissions (9):

Labcorp Genetics (formerly Invitae), Labcorp
Classification: Benign for Myopathy, proximal, and ophthalmoplegia. Last evaluated: 2026-02-03. Review status: criteria provided, single submitter. Criteria: Invitae Variant Classification Sherloc (09022015). Collection method: clinical testing. Allele origin: germline.

GeneDx
Classification: Benign. Last evaluated: 2018-07-15. Review status: criteria provided, single submitter. Criteria: GeneDx Variant Classification Process June 2021. Collection method: clinical testing. Allele origin: germline. Affected: yes.

Illumina Laboratory Services, Illumina
Classification: Benign for Myopathy, proximal, and ophthalmoplegia. Last evaluated: 2018-01-13. Review status: criteria provided, single submitter. Criteria: ICSL Variant Classification Criteria 13 December 2019. Collection method: clinical testing. Allele origin: germline.
Comment: This variant was observed in the ICSL laboratory as part of a predisposition screen in an ostensibly healthy population. It had not been previously curated by ICSL or reported in the Human Gene Mutation Database (HGMD: prior to June 1st, 2018), and was therefore a candidate for classification through an automated scoring system. Utilizing variant allele frequency, disease prevalence and penetrance estimates, and inheritance mode, an automated score was calculated to assess if this variant is too frequent to cause the disease. Based on the score and internal cut-off values, a variant classified as benign is not then subjected to further curation. The score for this variant resulted in a classification of benign for this disease.

Mayo Clinic Laboratories, Mayo Clinic
Classification: Benign. Last evaluated: 2017-07-18. Review status: criteria provided, single submitter. Criteria: ACMG Guidelines, 2015. Collection method: clinical testing. Allele origin: germline. Observed: 232 variant alleles.

Eurofins Ntd Llc (ga)
Classification: Benign. Last evaluated: 2015-08-25. Review status: criteria provided, single submitter. Criteria: EGL Classification Definitions 2015. Collection method: clinical testing. Allele origin: germline. Observed: 13 variant alleles, 10 heterozygotes, 3 homozygotes.

Breakthrough Genomics
Classification: Benign. Review status: criteria provided, single submitter. Criteria: ACMG Guidelines, 2015. Collection method: not provided. Allele origin: germline. Inheritance: Autosomal dominant inheritance. Affected: yes.

PreventionGenetics, part of Exact Sciences
Classification: Benign. Review status: criteria provided, single submitter. Criteria: ACMG Guidelines, 2015. Collection method: clinical testing. Allele origin: germline.

Clinical Genetics DNA and cytogenetics Diagnostics Lab, Erasmus MC, Erasmus Medical Center
Classification: Benign. Review status: no assertion criteria provided. Collection method: clinical testing. Allele origin: germline. Affected: yes. Study: VKGL Data-share Consensus. Not counted in ClinVar's aggregate classification.

Clinical Genetics, Academic Medical Center
Classification: Benign. Review status: no assertion criteria provided. Collection method: clinical testing. Allele origin: germline. Affected: yes. Study: VKGL Data-share Consensus. Not counted in ClinVar's aggregate classification.